The following is an entry in ClinVar:

ClinVar aggregate classification (germline): Uncertain significance (1 of 4 stars; one submission).

Allele frequency attached by ClinVar (database versions not stated): gnomAD exomes 0.00001; TOPMed 0.00001; ExAC 0.00002; gnomAD 0.00002.
gnomAD v4.1: 11 of 1,613,870 alleles (0.00068%); highest among the groups gnomAD compares: South Asian, 0.0011%; no homozygotes.

Submission:

Labcorp Genetics (formerly Invitae), Labcorp
Classification: Uncertain significance. Last evaluated: 2023-10-04. Review status: criteria provided, single submitter. Criteria: Invitae Variant Classification Sherloc (09022015). Collection method: clinical testing. Allele origin: germline.
Comment: This sequence change replaces proline, which is neutral and non-polar, with serine, which is neutral and polar, at codon 1775 of the COL7A1 protein (p.Pro1775Ser). This variant is present in population databases (rs759805736, gnomAD 0.008%). This variant has not been reported in the literature in individuals affected with COL7A1-related conditions. Advanced modeling of protein sequence and biophysical properties (such as structural, functional, and spatial information, amino acid conservation, physicochemical variation, residue mobility, and thermodynamic stability) performed at Invitae indicates that this missense variant is not expected to disrupt COL7A1 protein function. In summary, the available evidence is currently insufficient to determine the role of this variant in disease. Therefore, it has been classified as a Variant of Uncertain Significance.

NM_000094.4(COL7A1):c.5323C>T (p.Pro1775Ser)

Gene: COL7A1 (collagen type VII alpha 1 chain; minus strand). Cytogenetic location: 3p21.31.
Variant type: single nucleotide variant.
Coding change: c.5323C>T on transcript NM_000094.4 (MANE Select); coding-DNA position 5323, C replaced by T.
Protein change: p.Pro1775Ser; replaces proline 1775 with serine.
Molecular consequence: missense variant.
Genome position (GRCh38, 1-based): chr3:48,579,262, G>A on the plus strand (C>T on the coding strand, the complement: COL7A1 is on the minus strand). VCF-style: chr3-48579262-G-A. GRCh37 (hg19) VCF-style: chr3-48616695-G-A.
Other names: short protein forms P1775S.
Identifiers: ClinVar variation 2733688 (VCV002733688.3), dbSNP rs759805736, ClinGen allele CA2379558.
Genomic context (GRCh38, chr3:48,579,262, plus strand): 5'-GCCCAGAGGGCCCAGCGGCTCCTGGTTTCCCATCCAGTCCGCTCCGGCCATCCAGCCCAG[G>A]GGGACCCCGGTCACCCTGTGGAAAATAGAGTGGTAAGAGGCCACCAAGGCTGAGGTGGAT-3'
Protein context (NP_000085.1, residues 1765-1785): PAGEKGDRGP[Pro1775Ser]GLDGRSGLDG